The following is an entry in ClinVar:

NM_000245.4(MET):c.3468C>T (p.Val1156=)

Gene: MET (MET proto-oncogene, receptor tyrosine kinase; plus strand). Cytogenetic location: 7q31.2.
Variant type: single nucleotide variant.
Coding change: c.3468C>T on transcript NM_000245.4 (MANE Select); coding-DNA position 3468, C replaced by T.
Protein change: p.Val1156=; no amino-acid change (valine 1156 retained).
Molecular consequence: synonymous variant.
Genome position (GRCh38, 1-based): chr7:116,778,903, C>T. VCF-style: chr7-116778903-C-T. GRCh37 (hg19) VCF-style: chr7-116418957-C-T.
Other names: c.3522C>T, p.Val1174= (NM_001127500.3); c.2178C>T, p.Val726= (NM_001324402.2); c.3522C>T (NM_001127500.1).
Identifiers: ClinVar variation 1157704 (VCV001157704.11), dbSNP rs2117047472, ClinGen allele CA457219011.

ClinVar aggregate classification (germline): Benign/Likely benign. Review status: criteria provided, multiple submitters, no conflicts (2 of 4 stars). 3 submissions from 3 submitters: Benign (1); Likely benign (2). Last evaluated 2025-06-29.

Conditions:
Hereditary cancer-predisposing syndrome. Also called: Tumor predisposition; Neoplastic Syndromes, Hereditary; Hereditary Cancer Syndrome; Hereditary neoplastic syndrome. Identifiers: Orphanet 140162, MedGen C0027672, MeSH D009386, MONDO:0015356.
Renal cell carcinoma. Identifiers: Orphanet 217071, MedGen C0007134, MeSH D002292, MONDO:0005086, HP:0005584.
Papillary renal cell carcinoma type 1 (RCCP1). Also called: Renal adenocarcinoma; Renal cell carcinoma 1; Renal cell carcinoma, somatic; RENAL CELL CARCINOMA, PAPILLARY, 1, SOMATIC. Identifiers: Orphanet 47044, MedGen C1336839, OMIM 605074, HP:0011797.

Submissions (3):

Ambry Genetics
Classification: Likely benign for Hereditary cancer-predisposing syndrome. Last evaluated: 2025-06-29. Review status: criteria provided, single submitter. Criteria: Ambry Variant Classification Scheme 2023. Collection method: clinical testing. Allele origin: germline.

Myriad Genetics, Inc.
Classification: Benign for Papillary renal cell carcinoma type 1. Last evaluated: 2024-11-13. Review status: criteria provided, single submitter. Criteria: Myriad Autosomal Dominant, Autosomal Recessive and X-Linked Classification Criteria (2023). Collection method: clinical testing. Allele origin: unknown.
Comment: This variant is considered benign. This variant is a silent/synonymous amino acid change and it is not expected to impact splicing.

Labcorp Genetics (formerly Invitae), Labcorp
Classification: Likely benign for Renal cell carcinoma. Last evaluated: 2023-02-18. Review status: criteria provided, single submitter. Criteria: Invitae Variant Classification Sherloc (09022015). Collection method: clinical testing. Allele origin: germline.